The following is an entry in ClinVar:

ClinVar aggregate classification (germline): Likely pathogenic (1 of 4 stars; one submission).

Conditions:
Angelman syndrome (AS). Also called: HAPPY PUPPET SYNDROME. Identifiers: Orphanet 72, MedGen C0162635, MONDO:0007113, OMIM 105830. Disease mechanism: loss of function. Inheritance: AS is caused by disruption of maternally imprinted UBE3A located within the 15q11.2-q13 Angelman syndrome/Prader-Willi syndrome (AS/PWS) region., imprinting disorder.

Submission:

3billion
Classification: Likely pathogenic for Angelman syndrome. Last evaluated: 2024-12-30. Review status: criteria provided, single submitter. Criteria: ACMG Guidelines, 2015. Collection method: clinical testing. Allele origin: germline. Affected: yes.
Comment: The variant is not observed in the gnomAD v4.1.0 dataset. Predicted Consequence/Location: Frameshift: predicted to result in a loss or disruption of normal protein function through nonsense-mediated decay (NMD) or protein truncation. Multiple pathogenic variants are reported downstream of the variant. Therefore, this variant is classified as Likely pathogenic according to the recommendation of ACMG/AMP guideline.

NM_130839.5(UBE3A):c.1092del (p.Ile365fs)

Genes: SNHG14 (small nucleolar RNA host gene 14; plus strand), UBE3A (ubiquitin protein ligase E3A; minus strand). Cytogenetic location: 15q11.2.
Variant type: Deletion.
Coding change: c.1092del on transcript NM_130839.5 (MANE Select); coding-DNA position 1092, one base deleted (C; older notation c.1092delC).
Protein change: p.Ile365fs; shifts the reading frame from isoleucine 365.
Molecular consequence: frameshift variant. On other transcripts: non-coding transcript variant (1), intron variant (2).
Genome position (GRCh38, 1-based): chr15:25,371,082, G deleted on the plus strand (C on the coding strand, the reverse complement: UBE3A is on the minus strand); the first of 2 consecutive G bases (chr15:25,371,082-25,371,083); deleting either gives the same sequence. VCF-style (leftmost placement, unchanged base first): chr15-25371081-TG-T. GRCh37 (hg19) VCF-style: chr15-25616228-TG-T.
Other names: c.1101del, p.Ile368fs (NM_000462.5); c.1092del, p.Ile365fs (NM_001354505.1, NM_001354545.2, NM_001354538.2); c.1032del, p.Ile345fs (NM_001354539.2, NM_001354540.2, NM_001354541.2 and 17 more transcripts); c.915del, p.Ile306fs (NM_001354546.2); c.301+4383del (NM_001354551.2); c.361+4383del (NM_001354550.2); short protein forms I306fs, I345fs, I365fs, I368fs.
Identifiers: ClinVar variation 4293996 (VCV004293996.1).